The following is an entry in ClinVar:

NM_000092.5(COL4A4):c.446G>A (p.Gly149Glu)

Gene: COL4A4 (collagen type IV alpha 4 chain; minus strand). Cytogenetic location: 2q36.3.
Variant type: single nucleotide variant.
Coding change: c.446G>A on transcript NM_000092.5 (MANE Select); coding-DNA position 446, G replaced by A.
Protein change: p.Gly149Glu; replaces glycine 149 with glutamic acid.
Molecular consequence: missense variant.
Genome position (GRCh38, 1-based): chr2:227,118,688, C>T on the plus strand (G>A on the coding strand, the complement: COL4A4 is on the minus strand). VCF-style: chr2-227118688-C-T. GRCh37 (hg19) VCF-style: chr2-227983404-C-T.
Other names: short protein forms G149E.
Identifiers: ClinVar variation 2734413 (VCV002734413.6), dbSNP rs374815903, ClinGen allele CA2145665.

ClinVar aggregate classification (germline): Pathogenic/Likely pathogenic. Review status: criteria provided, multiple submitters, no conflicts (2 of 4 stars). 4 submissions from 4 submitters: Pathogenic (1); Likely pathogenic (3). Last evaluated 2026-03-04.

Conditions:
Autosomal recessive Alport syndrome (ATS2). Also called: COL4A3-Related Nephropathy; COL4A4 Alport Syndrome and Thin Basement Membrane Nephropathy; Alport syndrome type 2; ALPORT SYNDROME 2, AUTOSOMAL RECESSIVE. Identifiers: Orphanet 63, Orphanet 88919, MedGen C4746745, MONDO:0008762, OMIM 203780.
COL4A4-related disorder.
Alport syndrome. Also called: Hemorrhagic familial nephritis; Hemorrhagic hereditary nephritis; Congenital hereditary hematuria. Identifiers: Orphanet 63, MedGen C1567741, MONDO:0018965.

Allele frequency attached by ClinVar (database versions not stated): ESP Exome Variant Server 0.00008.

Submissions (4):

Myriad Genetics, Inc.
Classification: Likely pathogenic for Alport syndrome. Last evaluated: 2026-03-04. Review status: criteria provided, single submitter. Criteria: Myriad Autosomal Dominant, Autosomal Recessive and X-Linked Classification Criteria (2023). Collection method: clinical testing. Allele origin: unknown.
Comment: NM_000092.4(COL4A4):c.446G>A(G149E) is a missense variant classified as likely pathogenic in the context of Alport syndrome, COL4A4-related. G149E has been observed in a case with relevant disease (PMID: 15954103). Relevant functional assessments of this variant are not available in the literature. Internal structural analysis of the variant is supportive of pathogenicity. G149E has been observed in referenced population frequency databases. In summary, NM_000092.4(COL4A4):c.446G>A(G149E) is a missense variant that has internal structural support for pathogenicity and has been observed more frequently in cases with the relevant disease than in healthy populations. Please note: this variant was assessed in the context of healthy population screening.

Institute of Human Genetics, University of Leipzig Medical Center
Classification: Pathogenic for Autosomal recessive Alport syndrome. Last evaluated: 2026-02-18. Review status: criteria provided, single submitter. Criteria: ACMG Guidelines, 2015. Collection method: clinical testing. Allele origin: unknown. Inheritance: Autosomal dominant inheritance. Affected: yes.
Comment: Criteria applied: PM1_STR,PS4_MOD,PM5,PM2_SUP,PP3

Labcorp Genetics (formerly Invitae), Labcorp
Classification: Likely pathogenic. Last evaluated: 2025-03-11. Review status: criteria provided, single submitter. Criteria: Invitae Variant Classification Sherloc (09022015). Collection method: clinical testing. Allele origin: germline.
Comment: This sequence change replaces glycine, which is neutral and non-polar, with glutamic acid, which is acidic and polar, at codon 149 of the COL4A4 protein (p.Gly149Glu). This variant is present in population databases (rs374815903, gnomAD 0.0009%). This missense change has been observed in individual(s) with clinical features of Alport syndrome (PMID: 15954103, 26809805; internal data). ClinVar contains an entry for this variant (Variation ID: 2734413). Invitae Evidence Modeling of protein sequence and biophysical properties (such as structural, functional, and spatial information, amino acid conservation, physicochemical variation, residue mobility, and thermodynamic stability) indicates that this missense variant is expected to disrupt COL4A4 protein function with a positive predictive value of 95%. This variant disrupts the p.Gly149 amino acid residue in COL4A4. Other variant(s) that disrupt this residue have been determined to be pathogenic (PMID: 32939031; internal data). This suggests that this residue is clinically significant, and that variants that disrupt this residue are likely to be disease-causing. In summary, the currently available evidence indicates that the variant is pathogenic, but additional data are needed to prove that conclusively. Therefore, this variant has been classified as Likely Pathogenic.

Blueprint Genetics
Classification: Likely pathogenic for COL4A4-related disorders. Last evaluated: 2024-03-15. Review status: criteria provided, single submitter. Criteria: ACMG Guidelines, 2015. Collection method: clinical testing. Allele origin: germline. Affected: yes. Observed: 1 variant allele.

Literature cited by the submitters: PubMed 15954103 (cited by Myriad Genetics, Inc. and Labcorp Genetics (formerly Invitae), Labcorp); PubMed 26809805 (cited by Labcorp Genetics (formerly Invitae), Labcorp); PubMed 32939031 (cited by Labcorp Genetics (formerly Invitae), Labcorp).